The following is an entry in ClinVar:

ClinVar aggregate classification (germline): Uncertain significance (1 of 4 stars; one submission).

Conditions:
POLD1-related polyposis and colorectal cancer syndrome (CRCS10). Also called: Colorectal cancer 10; COLORECTAL CANCER, SUSCEPTIBILITY TO, ON CHROMOSOME 19q; Colorectal cancer, susceptibility to, 10. Identifiers: Orphanet 220460, MedGen C2675481, MONDO:0012953, OMIM 612591.

Allele frequency attached by ClinVar (database versions not stated): gnomAD exomes below 0.00001.
gnomAD v4.1: 1 of 1,613,380 alleles (0.000062%); highest among the groups gnomAD compares: Non-Finnish European, 0.000085%; no homozygotes.

Submission:

Labcorp Genetics (formerly Invitae), Labcorp
Classification: Uncertain significance for POLD1-related polyposis and colorectal cancer syndrome. Last evaluated: 2021-07-14. Review status: criteria provided, single submitter. Criteria: Invitae Variant Classification Sherloc (09022015). Collection method: clinical testing. Allele origin: germline.
Comment: This variant is not present in population databases (ExAC no frequency). In summary, the available evidence is currently insufficient to determine the role of this variant in disease. Therefore, it has been classified as a Variant of Uncertain Significance. Algorithms developed to predict the effect of missense changes on protein structure and function (SIFT, PolyPhen-2, Align-GVGD) all suggest that this variant is likely to be disruptive. This variant has not been reported in the literature in individuals affected with POLD1-related conditions. This sequence change replaces leucine with proline at codon 693 of the POLD1 protein (p.Leu693Pro). The leucine residue is highly conserved and there is a moderate physicochemical difference between leucine and proline.

NM_002691.4(POLD1):c.2078T>C (p.Leu693Pro)

Gene: POLD1 (DNA polymerase delta 1, catalytic subunit; plus strand). Cytogenetic location: 19q13.33.
Variant type: single nucleotide variant.
Coding change: c.2078T>C on transcript NM_002691.4 (MANE Select); coding-DNA position 2078, T replaced by C.
Protein change: p.Leu693Pro; replaces leucine 693 with proline.
Molecular consequence: missense variant. On other transcripts: non-coding transcript variant (1).
Genome position (GRCh38, 1-based): chr19:50,409,590, T>C. VCF-style: chr19-50409590-T-C. GRCh37 (hg19) VCF-style: chr19-50912847-T-C.
Other names: c.2078T>C, p.Leu693Pro (NM_001256849.1); c.2156T>C, p.Leu719Pro (NM_001308632.1); short protein forms L693P, L719P.
Identifiers: ClinVar variation 1514915 (VCV001514915.8), dbSNP rs2122387501, ClinGen allele CA406982575.
Genomic context (GRCh38, chr19:50,409,590, plus strand): 5'-AGCTGGCCAAGGAGACAGACCCCCTCCGGCGCCAGGTCCTGGATGGACGGCAGCTGGCGC[T>C]GAAGGTGAGCGCCAACTCCGTATACGGCTTCACTGGCGCCCAGGTGGGCAAGTTGCCGTG-3'
Protein context (NP_002682.2, residues 683-703): RQVLDGRQLA[Leu693Pro]KVSANSVYGF